The following is an entry in ClinVar:

ClinVar aggregate classification (germline): Likely benign. Review status: criteria provided, multiple submitters, no conflicts (2 of 4 stars). 6 submissions from 6 submitters: Likely benign (6). Last evaluated 2026-03-20.

Conditions:
Cardiovascular phenotype. Identifiers: MedGen CN230736.
TTN-related disorder. Also called: TTN-related disorders; TTN-related condition; TTN-related disease.
Cardiomyopathy (CMYO). Also called: Cardiomyopathies. Identifiers: Orphanet 167848, MedGen C0878544, MONDO:0004994, HP:0001638. Inheritance: Various modes of inheritance.
Dilated cardiomyopathy 1G (CMD1G). Identifiers: Orphanet 154, MedGen C1858763, MONDO:0011400, OMIM 604145.
Autosomal recessive limb-girdle muscular dystrophy type 2J (LGMDR10). Also called: Limb-girdle muscular dystrophy, type 2J; MUSCULAR DYSTROPHY, LIMB-GIRDLE, AUTOSOMAL RECESSIVE 10. Identifiers: Orphanet 140922, MedGen C1837342, MONDO:0012127, OMIM 608807.

Allele frequency attached by ClinVar (database versions not stated): gnomAD exomes below 0.00001; ExAC 0.00001; gnomAD 0.00001 and 0.00002; TOPMed 0.00003.
gnomAD v4.1: 5 of 1,613,452 alleles (0.00031%); highest among the groups gnomAD compares: African/African-American, 0.0053%; no homozygotes.

Submissions (6):

Women's Health and Genetics/Laboratory Corporation of America, LabCorp
Classification: Likely benign. Last evaluated: 2026-03-20. Review status: criteria provided, single submitter. Criteria: LabCorp Variant Classification Summary - May 2015. Collection method: clinical testing. Allele origin: germline.

PreventionGenetics, part of Exact Sciences
Classification: Likely benign for TTN-related condition. Last evaluated: 2025-05-21. Review status: criteria provided, single submitter. Criteria: ACMG Guidelines, 2015. Collection method: clinical testing. Allele origin: germline.
Comment: This variant is classified as likely benign based on ACMG/AMP sequence variant interpretation guidelines (Richards et al. 2015 PMID: 25741868, with internal and published modifications).

Labcorp Genetics (formerly Invitae), Labcorp
Classification: Likely benign for Dilated cardiomyopathy 1G; Autosomal recessive limb-girdle muscular dystrophy type 2J. Last evaluated: 2025-04-01. Review status: criteria provided, single submitter. Criteria: Invitae Variant Classification Sherloc (09022015). Collection method: clinical testing. Allele origin: germline.

CHEO Genetics Diagnostic Laboratory, Children's Hospital of Eastern Ontario
Classification: Likely benign for Cardiomyopathy. Last evaluated: 2021-06-02. Review status: criteria provided, single submitter. Criteria: ACMG Guidelines, 2015. Collection method: clinical testing. Allele origin: germline.

GeneDx
Classification: Likely benign. Last evaluated: 2020-05-19. Review status: criteria provided, single submitter. Criteria: GeneDx Variant Classification Process June 2021. Collection method: clinical testing. Allele origin: germline. Affected: yes.

Ambry Genetics
Classification: Likely benign for Cardiovascular phenotype. Last evaluated: 2020-01-17. Review status: criteria provided, single submitter. Criteria: Ambry Variant Classification Scheme 2023. Collection method: clinical testing. Allele origin: germline.

NM_001267550.2(TTN):c.80868T>C (p.Asn26956=)

Genes: TTN (titin; minus strand), TTN-AS1 (TTN antisense RNA 1; plus strand). Cytogenetic location: 2q31.2.
Variant type: single nucleotide variant.
Coding change: c.80868T>C on transcript NM_001267550.2 (MANE Select); coding-DNA position 80868, T replaced by C.
Protein change: p.Asn26956=; no amino-acid change (asparagine 26956 retained).
Molecular consequence: synonymous variant.
Genome position (GRCh38, 1-based): chr2:178,565,264, A>G on the plus strand (T>C on the coding strand, the complement: TTN is on the minus strand). VCF-style: chr2-178565264-A-G. GRCh37 (hg19) VCF-style: chr2-179429991-A-G.
Other names: c.75945T>C, p.Asn25315= (NM_001256850.1); c.53673T>C, p.Asn17891= (NM_003319.4); c.73164T>C, p.Asn24388= (NM_133378.4); c.54048T>C, p.Asn18016= (NM_133432.3); c.54249T>C, p.Asn18083= (NM_133437.4).
Identifiers: ClinVar variation 1181994 (VCV001181994.13), dbSNP rs780749635, ClinGen allele CA1989290.